The following is an entry in ClinVar:

ClinVar aggregate classification (germline): Pathogenic. Review status: reviewed by expert panel (3 of 4 stars). 2 submissions from 2 submitters: Pathogenic (1). 1 of the submissions does not count toward it. Last evaluated 2019-08-06.

Conditions:
Hereditary thrombocytopenia and hematological cancer predisposition syndrome associated with RUNX1. Also called: PLATELET DISORDER, ASPIRIN-LIKE; Familial Platelet Disorder with Propensity to Acute Myelogenous Leukemia; Familial thrombocytopenia with propensity to acute myelogenous leukemia; RUNX1 Familial Platelet Disorder with Associated Myeloid Malignancies. Identifiers: Orphanet 71290, MedGen C1832388, MeSH C563324, MONDO:0100083, OMIM 601399.

Submissions (2):

ClinGen Myeloid Malignancy Variant Curation Expert Panel
Classification: Pathogenic for Familial platelet disorder with associated myeloid malignancy. Last evaluated: 2019-08-06. Review status: reviewed by expert panel. Criteria: ClinGen MyeloMalig ACMG Specifications v1. Collection method: curation. Allele origin: germline. Inheritance: Autosomal dominant inheritance.
Comment: The deletion of exons 1 (non-coding) and 2 or exons 1, 2, and 3, all affecting presumedly exclusively RUNX1 isoform C, are common in FPD/AML patients and currently represent the most common pathogenic CNV in RUNX1. Multiple probands have been reported. These deletions only affect the N-terminal region of isoform C which is not shared by isoforms A and B. Despite the N-terminal region being a functionally unknown part of the protein, isoform C is biologically important und deletions are absent in the population which warrants application of PVS1_Moderate and PM2. Probands and affected family members show the typical FPD/AML phenotype and the deletion segregates with disease in multiple affected family members across multiple families (PP1_Strong). In addition, PS4 can be applied due to 5 probands with FPD/AML were reported from internal laboratories. In summary, this variant meets criteria to be classified as pathogenic. ACMG/AMP criteria applied, as specified by the ClinGen Myeloid Malignancy Variant Curation Expert Panel for RUNX1: PS4, PP1_Strong, PVS1_Moderate, PM2.

Labcorp Genetics (formerly Invitae), Labcorp
Classification: Pathogenic for Hereditary thrombocytopenia and hematological cancer predisposition syndrome associated with RUNX1. Last evaluated: 2017-03-06. Review status: criteria provided, single submitter. Criteria: Invitae Variant Classification Sherloc (09022015). Collection method: clinical testing. Allele origin: germline. Not counted in ClinVar's aggregate classification.
Comment: This variant is a gross deletion of the genomic region encompassing exon 2 of the RUNX1 gene, which includes the initiator codon. The 5' end of this event is unknown as it extends beyond the assayed region for this gene and therefore may encompass additional genes. The 3' boundary is likely confined to intron 2 of the RUNX1 gene. This is expected to result in an absent or disrupted protein product. While this particular variant has not been reported in the literature, loss-of-function variants in RUNX1 are known to be pathogenic (PMID: 18723428, 24100448). For these reasons, this variant has been classified as Pathogenic.

Literature cited by the submitters: PubMed 29666006 (cited by ClinGen Myeloid Malignancy Variant Curation Expert Panel).

NC_000021.9:g.(?_35048836)_(35048905_?)del

Gene: RUNX1 (RUNX family transcription factor 1; minus strand). Cytogenetic location: 21q22.12.
Variant type: Deletion.
Identifiers: ClinVar variation 463975 (VCV000463975.2).